The following is an entry in ClinVar:

NM_000179.3(MSH6):c.3690A>T (p.Ala1230=)

Gene: MSH6 (mutS homolog 6; plus strand). Cytogenetic location: 2p16.3.
Variant type: single nucleotide variant.
Coding change: c.3690A>T on transcript NM_000179.3 (MANE Select); coding-DNA position 3690, A replaced by T.
Protein change: p.Ala1230=; no amino-acid change (alanine 1230 retained).
Molecular consequence: synonymous variant.
Genome position (GRCh38, 1-based): chr2:47,806,247, A>T. VCF-style: chr2-47806247-A-T. GRCh37 (hg19) VCF-style: chr2-48033386-A-T.
Other names: c.3300A>T, p.Ala1100= (NM_001281492.2); c.2784A>T, p.Ala928= (NM_001281493.2, NM_001281494.2).
Identifiers: ClinVar variation 824076 (VCV000824076.14), dbSNP rs370947877, ClinGen allele CA071858.
Genomic context (GRCh38, chr2:47,806,247, plus strand): 5'-ATATTTTACTTTAACAGGAAGAGGTACTGCAACATTTGATGGGACGGCAATAGCAAATGC[A>T]GTTGTTAAAGAACTTGCTGAGACTATAAAATGTCGTACATTATTTTCAACTCACTACCAT-3'
Protein context (NP_000170.1, residues 1220-1240): ATFDGTAIAN[Ala1230=]VVKELAETIK

ClinVar aggregate classification (germline): Benign/Likely benign. Review status: criteria provided, multiple submitters, no conflicts (2 of 4 stars). 3 submissions from 3 submitters: Benign (1); Likely benign (2). Last evaluated 2025-01-07.

Conditions:
Lynch syndrome 5 (LYNCH5). Also called: Colorectal cancer, hereditary nonpolyposis, type 5; Hereditary non-polyposis colorectal cancer, type 5. Identifiers: Orphanet 144, MedGen C1833477, MONDO:0013710, OMIM 614350. Disease mechanism: loss of function.
Hereditary cancer-predisposing syndrome. Also called: Neoplastic Syndromes, Hereditary; Tumor predisposition; Hereditary neoplastic syndrome; Hereditary Cancer Syndrome. Identifiers: Orphanet 140162, MedGen C0027672, MeSH D009386, MONDO:0015356.
Hereditary nonpolyposis colorectal neoplasms. Identifiers: MedGen C0009405, MeSH D003123.

Allele frequency attached by ClinVar (database versions not stated): gnomAD exomes below 0.00001; TOPMed below 0.00001; ExAC 0.00001; ESP Exome Variant Server 0.00008.
gnomAD v4.1: 1 of 1,614,100 alleles (0.000062%); highest among the groups gnomAD compares: Non-Finnish European, 0.000085%; no homozygotes.

Submissions (3):

Myriad Genetics, Inc.
Classification: Benign for Lynch syndrome 5. Last evaluated: 2025-01-07. Review status: criteria provided, single submitter. Criteria: Myriad Autosomal Dominant, Autosomal Recessive and X-Linked Classification Criteria (2023). Collection method: clinical testing. Allele origin: unknown.
Comment: This variant is considered benign. This variant is a silent/synonymous amino acid change and it is not expected to impact splicing.

Labcorp Genetics (formerly Invitae), Labcorp
Classification: Likely benign for Hereditary nonpolyposis colorectal neoplasms. Last evaluated: 2023-04-11. Review status: criteria provided, single submitter. Criteria: Invitae Variant Classification Sherloc (09022015). Collection method: clinical testing. Allele origin: germline.

Ambry Genetics
Classification: Likely benign for Hereditary cancer-predisposing syndrome. Last evaluated: 2018-04-12. Review status: criteria provided, single submitter. Criteria: Ambry Variant Classification Scheme 2023. Collection method: clinical testing. Allele origin: germline.